The following is an entry in ClinVar:

ClinVar aggregate classification (germline): Uncertain significance (1 of 4 stars; one submission).

Submission:

Greenwood Genetic Center Diagnostic Laboratories, Greenwood Genetic Center
Classification: Uncertain significance. Last evaluated: 2021-04-01. Review status: criteria provided, single submitter. Criteria: ACMG Guidelines, 2015. Collection method: clinical testing. Allele origin: germline. Affected: yes.
Comment: PM2

NM_014991.6(WDFY3):c.952C>T (p.Leu318Phe)

Gene: WDFY3 (WD repeat and FYVE domain containing 3; minus strand). Cytogenetic location: 4q21.23.
Variant type: single nucleotide variant.
Coding change: c.952C>T on transcript NM_014991.6 (MANE Select); coding-DNA position 952, C replaced by T.
Protein change: p.Leu318Phe; replaces leucine 318 with phenylalanine.
Molecular consequence: missense variant.
Genome position (GRCh38, 1-based): chr4:84,829,008, G>A on the plus strand (C>T on the coding strand, the complement: WDFY3 is on the minus strand). VCF-style: chr4-84829008-G-A. GRCh37 (hg19) VCF-style: chr4-85750161-G-A.
Other names: short protein forms L318F.
Identifiers: ClinVar variation 1334590 (VCV001334590.4), dbSNP rs1755271246, ClinGen allele CA357540229.